The following is an entry in ClinVar:

NM_173728.4(ARHGEF15):c.2374+4A>G

Gene: ARHGEF15 (Rho guanine nucleotide exchange factor 15; plus strand). Cytogenetic location: 17p13.1.
Variant type: single nucleotide variant.
Coding change: c.2374+4A>G on transcript NM_173728.4 (MANE Select); 4 bases into the intron after coding-DNA position 2374, A replaced by G.
Molecular consequence: intron variant.
Genome position (GRCh38, 1-based): chr17:8,319,607, A>G. VCF-style: chr17-8319607-A-G. GRCh37 (hg19) VCF-style: chr17-8222925-A-G.
Other names: c.2374+4A>G (NM_025014.2).
Identifiers: ClinVar variation 1954009 (VCV001954009.5), dbSNP rs2543951382, ClinGen allele CA2580095027.
Genomic context (GRCh38, chr17:8,319,607, plus strand): 5'-AAGGACGGAGTCTGGAGTCCAGGGCTGCCCCCAAACACCTGCACAAGACCCCTGAAGGTG[A>G]GAAAGTCTTTCATTTATTTATTTTGTATTTATTATTATTATTTTTTGAGACAGAGTCTCA-3'

ClinVar aggregate classification (germline): Uncertain significance (1 of 4 stars; one submission).

Conditions:
Early-infantile DEE. Also called: Ohtahara syndrome; Early infantile epileptic encephalopathy with suppression bursts; Early infantile epileptic encephalopathy. Identifiers: Orphanet 1934, MedGen C0393706, MONDO:0800491.

Allele frequency attached by ClinVar (database versions not stated): gnomAD exomes below 0.00001.
gnomAD v4.1: 1 of 1,548,920 alleles (0.000065%); highest among the groups gnomAD compares: Admixed American, 0.0022%; no homozygotes.

Submission:

Labcorp Genetics (formerly Invitae), Labcorp
Classification: Uncertain significance for Early-infantile DEE. Last evaluated: 2025-05-27. Review status: criteria provided, single submitter. Criteria: Invitae Variant Classification Sherloc (09022015). Collection method: clinical testing. Allele origin: germline.
Comment: This sequence change falls in intron 15 of the ARHGEF15 gene. It does not directly change the encoded amino acid sequence of the ARHGEF15 protein. It affects a nucleotide within the consensus splice site. This variant is not present in population databases (gnomAD no frequency). This variant has not been reported in the literature in individuals affected with ARHGEF15-related conditions. ClinVar contains an entry for this variant (Variation ID: 1954009). Variants that disrupt the consensus splice site are a relatively common cause of aberrant splicing (PMID: 17576681, 9536098). Algorithms developed to predict the effect of sequence changes on RNA splicing suggest that this variant is not likely to affect RNA splicing. In summary, the available evidence is currently insufficient to determine the role of this variant in disease. Therefore, it has been classified as a Variant of Uncertain Significance.

Literature cited by the submitters: PubMed 17576681; PubMed 9536098.